The following is an entry in ClinVar:

ClinVar aggregate classification (germline): Uncertain significance (1 of 4 stars; one submission).

Conditions:
Epilepsy, familial focal, with variable foci 3 (FFEVF3). Identifiers: MedGen C4310708, MONDO:0014925, OMIM 617118.

Allele frequency attached by ClinVar (database versions not stated): gnomAD exomes 0.00001; TOPMed 0.00001.
gnomAD v4.1: 10 of 1,609,722 alleles (0.00062%); highest among the groups gnomAD compares: Non-Finnish European, 0.00085%; no homozygotes.

Submission:

Labcorp Genetics (formerly Invitae), Labcorp
Classification: Uncertain significance for Epilepsy, familial focal, with variable foci 3. Last evaluated: 2022-07-04. Review status: criteria provided, single submitter. Criteria: Invitae Variant Classification Sherloc (09022015). Collection method: clinical testing. Allele origin: germline.
Comment: In summary, the available evidence is currently insufficient to determine the role of this variant in disease. Therefore, it has been classified as a Variant of Uncertain Significance. Variants that disrupt the consensus splice site are a relatively common cause of aberrant splicing (PMID: 17576681, 9536098). Algorithms developed to predict the effect of sequence changes on RNA splicing suggest that this variant may disrupt the consensus splice site. ClinVar contains an entry for this variant (Variation ID: 648093). This variant has not been reported in the literature in individuals affected with NPRL3-related conditions. This variant is not present in population databases (gnomAD no frequency). This sequence change falls in intron 7 of the NPRL3 gene. It does not directly change the encoded amino acid sequence of the NPRL3 protein. It affects a nucleotide within the consensus splice site.

Literature cited by the submitters: PubMed 17576681; PubMed 9536098.

NM_001077350.3(NPRL3):c.629+4A>G

Genes: HBA-LCR (alpha-globin locus control region; plus strand), NPRL3 (NPR3 like, GATOR1 complex subunit; minus strand). Cytogenetic location: 16p13.3.
Variant type: single nucleotide variant.
Coding change: c.629+4A>G on transcript NM_001077350.3 (MANE Select); 4 bases into the intron after coding-DNA position 629, A replaced by G.
Molecular consequence: intron variant.
Genome position (GRCh38, 1-based): chr16:110,521, T>C on the plus strand (A>G on the coding strand, the complement: NPRL3 is on the minus strand). VCF-style: chr16-110521-T-C. GRCh37 (hg19) VCF-style: chr16-160519-T-C.
Other names: c.395+4A>G (NM_001243247.2); c.554+4A>G (NM_001243248.2, NM_001243249.2); c.92+4A>G (NM_001039476.3).
Identifiers: ClinVar variation 648093 (VCV000648093.6), dbSNP rs1220187651, ClinGen allele CA717914815.